The following is an entry in ClinVar:

NM_080669.6(SLC46A1):c.1258T>C (p.Phe420Leu)

Genes: SARM1 (sterile alpha and TIR motif containing 1; plus strand), SLC46A1 (solute carrier family 46 member 1; minus strand). Cytogenetic location: 17q11.2.
Variant type: single nucleotide variant.
Coding change: c.1258T>C on transcript NM_080669.6 (MANE Select); coding-DNA position 1258, T replaced by C.
Protein change: p.Phe420Leu; replaces phenylalanine 420 with leucine.
Molecular consequence: missense variant. On other transcripts: 3 prime UTR variant (1).
Genome position (GRCh38, 1-based): chr17:28,400,674, A>G on the plus strand (T>C on the coding strand, the complement: SLC46A1 is on the minus strand). VCF-style: chr17-28400674-A-G. GRCh37 (hg19) VCF-style: chr17-26727690-A-G.
Other names: c.1174T>C, p.Phe392Leu (NM_001242366.3); c.*4388A>G (NM_015077.4); short protein forms F420L, F392L.
Identifiers: ClinVar variation 453189 (VCV000453189.2), dbSNP rs1337596788, ClinGen allele CA398342565.

ClinVar aggregate classification (germline): Uncertain significance. Review status: criteria provided, multiple submitters, no conflicts (2 of 4 stars). 2 submissions from 2 submitters: Uncertain significance (2). Last evaluated 2021-10-29.

Conditions:
Congenital defect of folate absorption. Also called: Hereditary Folate Malabsorption. Identifiers: Orphanet 90045, MedGen C0342705, MONDO:0009238, OMIM 229050.

Allele frequency attached by ClinVar (database versions not stated): gnomAD 0.00003 and 0.00005; TOPMed 0.00003.
gnomAD v4.1: 7 of 1,613,514 alleles (0.00043%); highest among the groups gnomAD compares: African/African-American, 0.0093%; no homozygotes.

Submissions (2):

Fulgent Genetics
Classification: Uncertain significance for Congenital defect of folate absorption. Last evaluated: 2021-10-29. Review status: criteria provided, single submitter. Criteria: ACMG Guidelines, 2015. Collection method: clinical testing. Allele origin: unknown.

GeneDx
Classification: Uncertain significance. Last evaluated: 2017-11-01. Review status: criteria provided, single submitter. Criteria: GeneDx Variant Classification (06012015). Collection method: clinical testing. Allele origin: germline. Affected: yes.
Comment: The F420L variant has not been published as a pathogenic variant, nor has it been reported as a benign variant to our knowledge. The F420L variant is not observed in large population cohorts (Lek et al., 2016). The F420L variant is a conservative amino acid substitution, which is not likely to impact secondary protein structure as these residues share similar properties. This substitution occurs at a position where amino acids with similar properties to Phenylalanine are tolerated across species. In silico analysis is inconsistent in its predictions as to whether or not the variant is damaging to the protein structure/function. Based on the currently available information, it is unclear whether this variant is a pathogenic variant or a rare benign variant.